The following is an entry in ClinVar:

ClinVar aggregate classification (germline): Conflicting classifications of pathogenicity. Review status: criteria provided, conflicting classifications (1 of 4 stars). 10 submissions from 10 submitters: Uncertain significance (7); Likely benign (2). 1 of the submissions does not count toward it. Last evaluated 2023-07-26.

Conditions:
Familial Mediterranean fever (FMF). Also called: POLYSEROSITIS, FAMILIAL PAROXYSMAL; POLYSEROSITIS, RECURRENT; Periodic peritonitis; Benign paroxysmal peritonitis. Identifiers: Orphanet 342, MedGen C0031069, MONDO:0018088, OMIM 249100. Disease mechanism: gain of function.
Familial Mediterranean fever, autosomal dominant. Also called: FMF, AUTOSOMAL DOMINANT; Dominant Familial Mediterranean Fever. Identifiers: Orphanet 342, MedGen C1851347, MONDO:0007601, OMIM 134610.
Acute febrile neutrophilic dermatosis (AFND). Also called: Sweet Syndrome; Gomm Button disease. Identifiers: Orphanet 3243, MedGen C0085077, MONDO:0011959, OMIM 608068.
Autoinflammatory syndrome. Identifiers: Orphanet 93665, MedGen C3890737, MONDO:0019751.

Allele frequency attached by ClinVar (database versions not stated): gnomAD 0.00010 and 0.00011; TOPMed 0.00012; 1000 Genomes Project 30x 0.00016; gnomAD exomes 0.00019 and 0.00020; 1000 Genomes Project 0.00020; ExAC 0.00025; ESP Exome Variant Server 0.00031.

Submissions (10):

Blueprint Genetics
Classification: Likely benign. Last evaluated: 2023-07-26. Review status: criteria provided, single submitter. Criteria: ACMG Guidelines, 2015. Collection method: clinical testing. Allele origin: germline.

Women's Health and Genetics/Laboratory Corporation of America, LabCorp
Classification: Uncertain significance. Last evaluated: 2023-05-18. Review status: criteria provided, single submitter. Criteria: LabCorp Variant Classification Summary - May 2015. Collection method: clinical testing. Allele origin: germline.
Comment: Variant summary: MEFV c.1043G>A (p.Arg348His) results in a non-conservative amino acid change in the encoded protein sequence. Four of five in-silico tools predict a benign effect of the variant on protein function. The variant allele was found at a frequency of 0.00019 in 247954 control chromosomes (gnomAD). This frequency is not significantly higher than estimated for a pathogenic variant in MEFV causing Familial Mediterranean Fever (0.00019 vs 0.022), allowing no conclusion about variant significance. c.1043G>A has been reported in the literature in individuals affected with Autoinflammatory Disease (e.g. Kirnaz_2022, Kirino_2013). These reports do not provide unequivocal conclusions about association of the variant with Familial Mediterranean Fever. To our knowledge, no experimental evidence demonstrating an impact on protein function has been reported. The following publications have been ascertained in the context of this evaluation (PMID: 23633568, 35358658). Six ClinVar submitters have assessed the variant since 2014: five classified the variant as uncertain significance and one as likely benign. Based on the evidence outlined above, the variant was classified as uncertain significance.

Department of Pathology and Laboratory Medicine, Sinai Health System
Classification: Uncertain significance for Familial Mediterranean fever, autosomal dominant; Acute febrile neutrophilic dermatosis; Familial Mediterranean fever. Last evaluated: 2023-02-27. Review status: criteria provided, single submitter. Criteria: ACMG Guidelines, 2015. Collection method: research. Allele origin: germline.

Labcorp Genetics (formerly Invitae), Labcorp
Classification: Uncertain significance for Familial Mediterranean fever. Last evaluated: 2022-10-05. Review status: criteria provided, single submitter. Criteria: Invitae Variant Classification Sherloc (09022015). Collection method: clinical testing. Allele origin: germline.
Comment: This sequence change replaces arginine, which is basic and polar, with histidine, which is basic and polar, at codon 348 of the MEFV protein (p.Arg348His). This variant is present in population databases (rs104895198, gnomAD 0.04%). This variant has not been reported in the literature in individuals affected with MEFV-related conditions. ClinVar contains an entry for this variant (Variation ID: 97428). Algorithms developed to predict the effect of missense changes on protein structure and function output the following: SIFT: "Tolerated"; PolyPhen-2: "Benign"; Align-GVGD: "Class C0". The histidine amino acid residue is found in multiple mammalian species, which suggests that this missense change does not adversely affect protein function. In summary, the available evidence is currently insufficient to determine the role of this variant in disease. Therefore, it has been classified as a Variant of Uncertain Significance.

GeneDx
Classification: Likely benign. Last evaluated: 2019-11-23. Review status: criteria provided, single submitter. Criteria: GeneDx Variant Classification Process June 2021. Collection method: clinical testing. Allele origin: germline. Affected: yes.

Genome Diagnostics Laboratory, The Hospital for Sick Children
Classification: Uncertain significance for Autoinflammatory syndrome. Last evaluated: 2018-12-01. Review status: criteria provided, single submitter. Criteria: ACMG Guidelines, 2015. Collection method: clinical testing. Allele origin: germline. Affected: yes.

ARUP Laboratories, Molecular Genetics and Genomics, ARUP Laboratories
Classification: Uncertain significance. Last evaluated: 2018-11-08. Review status: criteria provided, single submitter. Criteria: ARUP Molecular Germline Variant Investigation Process. Collection method: clinical testing. Allele origin: germline.
Comment: The MEFV c.1043G>A; p.Arg348His variant (rs104895198), to our knowledge, is not reported in the medical literature but is reported in ClinVar (Variation ID: 97428). This variant is found in the general population with an overall allele frequency of 0.018% (50/279,346 alleles) in the Genome Aggregation Database. The arginine at codon 348 is weakly conserved, and computational analyses (SIFT, PolyPhen-2) predict that this variant is tolerated. Due to limited information, the clinical significance of the p.Arg348His variant is uncertain at this time.

CeGaT Center for Human Genetics Tuebingen
Classification: Uncertain significance. Last evaluated: 2018-11-01. Review status: criteria provided, single submitter. Criteria: CeGaT Center For Human Genetics Tuebingen Variant Classification Criteria Version 2. Collection method: clinical testing. Allele origin: germline. Affected: yes. Observed: 1 variant allele.

Illumina Laboratory Services, Illumina
Classification: Uncertain significance for Familial Mediterranean fever. Last evaluated: 2018-01-13. Review status: criteria provided, single submitter. Criteria: ICSL Variant Classification Criteria 13 December 2019. Collection method: clinical testing. Allele origin: germline.

Unité médicale des maladies autoinflammatoires, CHRU Montpellier
No classification provided. Condition: Familial Mediterranean fever. Review status: no classification provided. Collection method: not provided. Allele origin: unknown. Not counted in ClinVar's aggregate classification.

Literature cited by the submitters: PubMed 23633568 (cited by Women's Health and Genetics/Laboratory Corporation of America, LabCorp); PubMed 35358658 (cited by Women's Health and Genetics/Laboratory Corporation of America, LabCorp).

NM_000243.3(MEFV):c.1043G>A (p.Arg348His)

Gene: MEFV (MEFV innate immunity regulator, pyrin; minus strand). Cytogenetic location: 16p13.3.
Variant type: single nucleotide variant.
Coding change: c.1043G>A on transcript NM_000243.3 (MANE Select); coding-DNA position 1043, G replaced by A.
Protein change: p.Arg348His; replaces arginine 348 with histidine.
Molecular consequence: missense variant.
Genome position (GRCh38, 1-based): chr16:3,249,648, C>T on the plus strand (G>A on the coding strand, the complement: MEFV is on the minus strand). VCF-style: chr16-3249648-C-T. GRCh37 (hg19) VCF-style: chr16-3299648-C-T.
Other names: c.410G>A, p.Arg137His (NM_001198536.2); short protein forms R348H, R137H.
Identifiers: ClinVar variation 97428 (VCV000097428.61), dbSNP rs104895198, ClinGen allele CA280361.
Genomic context (GRCh38, chr16:3,249,648, plus strand): 5'-CTTAGGCTTCCCGGGCTCTTCCTTTCATGGGAGTCCTGGCACCGGGGGCAGCCAGGTGAG[C>T]GGCTGCCTGAGGCCTGGGGGTGCCCAGAAACTGCCTCGGGGAAGCTGCAGGAATCACGCA-3'
Protein context (NP_000234.1, residues 338-358): VSGHPQASGS[Arg348His]SPGCPRCQDS